The following is an entry in ClinVar:

NM_001692.4(ATP6V1B1):c.297C>G (p.Ile99Met)

Gene: ATP6V1B1 (ATPase H+ transporting V1 subunit B1; plus strand). Cytogenetic location: 2p13.3.
Variant type: single nucleotide variant.
Coding change: c.297C>G on transcript NM_001692.4 (MANE Select); coding-DNA position 297, C replaced by G.
Protein change: p.Ile99Met; replaces isoleucine 99 with methionine.
Molecular consequence: missense variant.
Genome position (GRCh38, 1-based): chr2:70,958,356, C>G. VCF-style: chr2-70958356-C-G. GRCh37 (hg19) VCF-style: chr2-71185486-C-G.
Other names: short protein forms I99M.
Identifiers: ClinVar variation 4077222 (VCV004077222.1).

ClinVar aggregate classification (germline): Uncertain significance (1 of 4 stars; one submission).

Submission:

GeneDx
Classification: Uncertain significance. Last evaluated: 2025-02-28. Review status: criteria provided, single submitter. Criteria: GeneDx Variant Classification Process June 2021. Collection method: clinical testing. Allele origin: germline. Affected: yes.
Comment: Not observed at significant frequency in large population cohorts (gnomAD); In silico analysis indicates that this missense variant does not alter protein structure/function; Has not been previously published as pathogenic or benign to our knowledge